The following is an entry in ClinVar:

NM_021614.4(KCNN2):c.335GCT[7] (p.Cys117_Ser118insCys)

Gene: KCNN2 (potassium calcium-activated channel subfamily N member 2; plus strand). Cytogenetic location: 5q22.3.
Variant type: Microsatellite.
Coding change: c.335GCT[7] on transcript NM_021614.4 (MANE Select); seven copies in a row of the 3-base unit GCT starting at c.335; the reference has six copies in a row; one copy, 3 bases duplicated; also written c.350_352dup.
Protein change: p.Cys117_Ser118insCys.
Molecular consequence: inframe insertion. On other transcripts: non-coding transcript variant (1).
Genome position (GRCh38, 1-based): chr5:114,362,489-114,362,491, GCT duplicated; duplicating any 3 consecutive bases within chr5:114,362,472-114,362,491 gives the same sequence; the position shown is the placement nearest the transcript's 3' end. VCF-style (leftmost placement, unchanged base first): chr5-114362471-C-CCTG. GRCh37 (hg19) VCF-style: chr5-113698168-C-CCTG.
Other names: c.533GCT[7], p.Cys183_Ser184insCys (NM_001372233.1); c.350_352dup (NM_021614.4).
Identifiers: ClinVar variation 3367124 (VCV003367124.1).

ClinVar aggregate classification (germline): Uncertain significance (1 of 4 stars; one submission).

Conditions:
Neurodevelopmental disorder with or without variable movement or behavioral abnormalities (NEDMAB). Identifiers: MedGen C5676908, MONDO:0859225, OMIM 619725.

Submission:

Neuberg Centre For Genomic Medicine, NCGM
Classification: Uncertain significance for Neurodevelopmental disorder with or without variable movement or behavioral abnormalities. Last evaluated: 2023-05-20. Review status: criteria provided, single submitter. Criteria: ACMG Guidelines, 2015. Collection method: clinical testing. Allele origin: germline. Inheritance: Autosomal dominant inheritance. Affected: yes.
Comment: The observed inframe insertion variant c.350_352dup(p.Cys117dup) in KCNN2 gene has not been reported previously as a pathogenic variant nor as a benign variant, to our knowledge. The c.350_352dup has 1.7% allele frequency in gnomAD Exomes. This variant p.Cys117dup causes duplication of amino acid Cysteine at postion 117. For these reasons, this variant has been classified as Uncertain Significance.